The following is an entry in ClinVar:

ClinVar aggregate classification (germline): Uncertain significance (1 of 4 stars; one submission).

Conditions:
Combined immunodeficiency due to STIM1 deficiency. Also called: IMMUNODEFICIENCY 10; STIM1 DEFICIENCY. Identifiers: Orphanet 169090, Orphanet 317430, MedGen C2748557, MONDO:0013008, OMIM 612783.
Myopathy with tubular aggregates (TAM). Also called: Tubular Aggregate Myopathy. Identifiers: Orphanet 2593, MedGen C0410207, MONDO:0008051.
Stormorken syndrome (STRMK). Also called: THROMBOCYTOPATHY, ASPLENIA, AND MIOSIS. Identifiers: Orphanet 3204, MedGen C1861451, MONDO:0008497, OMIM 185070.

Submission:

Labcorp Genetics (formerly Invitae), Labcorp
Classification: Uncertain significance for Myopathy with tubular aggregates; Combined immunodeficiency due to STIM1 deficiency; Stormorken syndrome. Last evaluated: 2021-08-02. Review status: criteria provided, single submitter. Criteria: Invitae Variant Classification Sherloc (09022015). Collection method: clinical testing. Allele origin: germline.
Comment: In summary, the available evidence is currently insufficient to determine the role of this variant in disease. Therefore, it has been classified as a Variant of Uncertain Significance. Algorithms developed to predict the effect of missense changes on protein structure and function are either unavailable or do not agree on the potential impact of this missense change (SIFT: "Deleterious"; PolyPhen-2: "Possibly Damaging"; Align-GVGD: "Class C15"). This variant has not been reported in the literature in individuals affected with STIM1-related conditions. This variant is not present in population databases (ExAC no frequency). This sequence change replaces serine with phenylalanine at codon 486 of the STIM1 protein (p.Ser486Phe). The serine residue is highly conserved and there is a large physicochemical difference between serine and phenylalanine.

NM_001382567.1(STIM1):c.1457C>T (p.Ser486Phe)

Gene: STIM1 (stromal interaction molecule 1; plus strand). Cytogenetic location: 11p15.4.
Variant type: single nucleotide variant.
Coding change: c.1457C>T on transcript NM_001382567.1 (MANE Select); coding-DNA position 1457, C replaced by T.
Protein change: p.Ser486Phe; replaces serine 486 with phenylalanine.
Molecular consequence: missense variant. On other transcripts: non-coding transcript variant (2).
Genome position (GRCh38, 1-based): chr11:4,083,481, C>T. VCF-style: chr11-4083481-C-T. GRCh37 (hg19) VCF-style: chr11-4104711-C-T.
Other names: c.1457C>T, p.Ser486Phe (NM_001277961.3, NM_001277962.2, NM_003156.4); c.1235C>T, p.Ser412Phe (NM_001382566.1, NM_001382573.1, NM_001382575.1 and 4 more transcripts); c.1478C>T, p.Ser493Phe (NM_001382568.1); c.1322C>T, p.Ser441Phe (NM_001382569.1); c.1229C>T, p.Ser410Phe (NM_001382570.1); c.977C>T, p.Ser326Phe (NM_001382571.1); c.968C>T, p.Ser323Phe (NM_001382580.1, NM_001382581.1); short protein forms S326F, S410F, S412F, S493F, S323F, S441F, S486F.
Identifiers: ClinVar variation 1509253 (VCV001509253.6), dbSNP rs2133227042, ClinGen allele CA379194517.